The following is an entry in ClinVar:

ClinVar aggregate classification (germline): Uncertain significance (1 of 4 stars; one submission).

Submission:

ISCA site 15
Classification: Uncertain significance. Last evaluated: 2011-08-12. Review status: criteria provided, single submitter. Criteria: Kaminsky et al. (Genet Med. 2011). Collection method: clinical testing. Allele origin: unknown. Affected: yes. Observed: 1 variant allele.
Comment: Copy number variation identified through the course of routine clinical cytogenomic testing in postnatal populations. Clinical assertions have been curated as described in Kaminsky et al. 2011.

GRCh38/hg38 12p11.23-11.22(chr12:27192518-27615518)x3

Genes: BMAL2 (basic helix-loop-helix ARNT like 2; plus strand), BMAL2-AS1 (BMAL2 antisense RNA 1; minus strand), PPFIBP1 (PPFIA binding protein 1; plus strand), SMCO2 (single-pass membrane protein with coiled-coil domains 2; plus strand), STK38L (serine/threonine kinase 38 like; plus strand) and 22 more. Cytogenetic location: 12p11.23-11.22.
Variant type: copy number gain.
Change: copy number 3 (three copies instead of two) of chr12:27,192,518-27,615,518 (423.0 kb, GRCh38 coordinates, 1-based), cytogenetic band 12p11.23-11.22.
Identifiers: ClinVar variation 58209 (VCV000058209.1).